The following is an entry in ClinVar:

NM_015102.5(NPHP4):c.2723C>T (p.Ser908Leu)

Gene: NPHP4 (nephrocystin 4; minus strand). Cytogenetic location: 1p36.31.
Variant type: single nucleotide variant.
Coding change: c.2723C>T on transcript NM_015102.5 (MANE Select); coding-DNA position 2723, C replaced by T.
Protein change: p.Ser908Leu; replaces serine 908 with leucine.
Molecular consequence: missense variant. On other transcripts: non-coding transcript variant (1).
Genome position (GRCh38, 1-based): chr1:5,877,187, G>A on the plus strand (C>T on the coding strand, the complement: NPHP4 is on the minus strand). VCF-style: chr1-5877187-G-A. GRCh37 (hg19) VCF-style: chr1-5937247-G-A.
Other names: p.Ser908Leu; c.1184C>T, p.Ser395Leu (NM_001291593.2); c.1187C>T, p.Ser396Leu (NM_001291594.2); short protein forms S396L, S395L, S908L.
Identifiers: ClinVar variation 874131 (VCV000874131.11), dbSNP rs543726103, ClinGen allele CA553956.

ClinVar aggregate classification (germline): Uncertain significance. Review status: criteria provided, multiple submitters, no conflicts (2 of 4 stars). 5 submissions from 4 submitters: Uncertain significance (5). Last evaluated 2024-02-13.

Conditions:
Nephronophthisis 4 (NPHP4). Also called: NEPHRONOPHTHISIS 4, JUVENILE. Identifiers: Orphanet 655, MedGen C1847013, MONDO:0011752, OMIM 606966.
Senior-Loken syndrome 4 (SLSN4). Identifiers: Orphanet 3156, MedGen C1846979, MONDO:0011756, OMIM 606996.
Nephronophthisis. Also called: Juvenile Nephronophthisis. Identifiers: Orphanet 655, MedGen C0687120, MONDO:0019005, HP:0000090.

Allele frequency attached by ClinVar (database versions not stated): gnomAD 0.00002; TOPMed 0.00003; gnomAD exomes 0.00005 and 0.00008; ExAC 0.00016; 1000 Genomes Project 30x 0.00047; 1000 Genomes Project 0.00060.
gnomAD v4.1: 72 of 1,603,942 alleles (0.0045%); highest among the groups gnomAD compares: South Asian, 0.053%; 1 homozygote.

Submissions (5):

Fulgent Genetics
Classification: Uncertain significance for Nephronophthisis 4; Senior-Loken syndrome 4. Last evaluated: 2024-02-13. Review status: criteria provided, single submitter. Criteria: ACMG Guidelines, 2015. Collection method: clinical testing. Allele origin: germline.

Labcorp Genetics (formerly Invitae), Labcorp
Classification: Uncertain significance for Nephronophthisis. Last evaluated: 2023-07-17. Review status: criteria provided, single submitter. Criteria: Invitae Variant Classification Sherloc (09022015). Collection method: clinical testing. Allele origin: germline.
Comment: This sequence change replaces serine, which is neutral and polar, with leucine, which is neutral and non-polar, at codon 908 of the NPHP4 protein (p.Ser908Leu). This variant is present in population databases (rs543726103, gnomAD 0.05%). This variant has not been reported in the literature in individuals affected with NPHP4-related conditions. ClinVar contains an entry for this variant (Variation ID: 874131). Advanced modeling of protein sequence and biophysical properties (such as structural, functional, and spatial information, amino acid conservation, physicochemical variation, residue mobility, and thermodynamic stability) performed at Invitae indicates that this missense variant is not expected to disrupt NPHP4 protein function. In summary, the available evidence is currently insufficient to determine the role of this variant in disease. Therefore, it has been classified as a Variant of Uncertain Significance.

Mayo Clinic Laboratories, Mayo Clinic
Classification: Uncertain significance. Last evaluated: 2022-07-01. Review status: criteria provided, single submitter. Criteria: ACMG Guidelines, 2015. Collection method: clinical testing. Allele origin: germline. Observed: 1 variant allele.
Comment: BP4, PM2

Illumina Laboratory Services, Illumina
Classification: Uncertain significance for Nephronophthisis 4. Last evaluated: 2018-01-13. Review status: criteria provided, single submitter. Criteria: ICSL Variant Classification Criteria 13 December 2019. Collection method: clinical testing. Allele origin: germline.

Illumina Laboratory Services, Illumina
Classification: Uncertain significance for Senior-Loken syndrome 4. Last evaluated: 2018-01-13. Review status: criteria provided, single submitter. Criteria: ICSL Variant Classification Criteria 13 December 2019. Collection method: clinical testing. Allele origin: germline.